The following is an entry in ClinVar:

GRCh37/hg19 17q12(chr17:34817422-36168104)x1

Genes: AATF (apoptosis antagonizing transcription factor; plus strand), ACACA (acetyl-CoA carboxylase alpha; minus strand), C17orf78 (chromosome 17 open reading frame 78; plus strand), DDX52 (DExD-box helicase 52; minus strand), DHRS11 (dehydrogenase/reductase 11; plus strand) and 25 more. Cytogenetic location: 17q12.
Variant type: copy number loss.
Change: copy number 1 (one copy instead of two) of chr17:34,817,422-36,168,104 (1.35 Mb, GRCh37 coordinates, 1-based), cytogenetic band 17q12.
Identifiers: ClinVar variation 60472 (VCV000060472.1).

ClinVar aggregate classification (germline): Pathogenic (1 of 4 stars; one submission).

Submission:

ISCA site 15
Classification: Pathogenic. Last evaluated: 2011-08-12. Review status: criteria provided, single submitter. Criteria: Kaminsky et al. (Genet Med. 2011). Collection method: clinical testing. Allele origin: unknown. Affected: yes. Observed: 1 variant allele.
Comment: Copy number variation identified through the course of routine clinical cytogenomic testing in postnatal populations. Clinical assertions have been curated as described in Kaminsky et al. 2011.